The following is an entry in ClinVar:

ClinVar aggregate classification (germline): Uncertain significance (1 of 4 stars; one submission).

Conditions:
Hereditary cancer-predisposing syndrome. Also called: Neoplastic Syndromes, Hereditary; Tumor predisposition; Hereditary neoplastic syndrome; Hereditary Cancer Syndrome. Identifiers: Orphanet 140162, MedGen C0027672, MeSH D009386, MONDO:0015356.

Submission:

Ambry Genetics
Classification: Uncertain significance for Hereditary cancer-predisposing syndrome. Last evaluated: 2026-07-07. Review status: criteria provided, single submitter. Criteria: Ambry Variant Classification Scheme 2023. Collection method: clinical testing. Allele origin: germline.
Comment: The p.K119E variant (also known as c.355A>G), located in coding exon 1 of the MEN1 gene, results from an A to G substitution at nucleotide position 355. The lysine at codon 119 is replaced by glutamic acid, an amino acid with similar properties. This amino acid position is conserved. In addition, this alteration is predicted to be deleterious by in silico analysis. Based on the available evidence, the clinical significance of this variant remains unclear.

NM_001370259.2(MEN1):c.355A>G (p.Lys119Glu)

Gene: MEN1 (menin 1; minus strand). Cytogenetic location: 11q13.1.
Variant type: single nucleotide variant.
Coding change: c.355A>G on transcript NM_001370259.2 (MANE Select); coding-DNA position 355, A replaced by G.
Protein change: p.Lys119Glu; replaces lysine 119 with glutamic acid.
Molecular consequence: missense variant. On other transcripts: non-coding transcript variant (4).
Genome position (GRCh38, 1-based): chr11:64,809,755, T>C on the plus strand (A>G on the coding strand, the complement: MEN1 is on the minus strand). VCF-style: chr11-64809755-T-C. GRCh37 (hg19) VCF-style: chr11-64577227-T-C.
Other names: c.355A>G, p.Lys119Glu (NM_130799.3, NM_130800.3, NM_130801.3 and 20 more transcripts); short protein forms K119E.
Identifiers: ClinVar variation 5024284 (VCV005024284.1).